The following is an entry in ClinVar:

ClinVar aggregate classification (germline): Benign. Review status: reviewed by expert panel (3 of 4 stars). 10 submissions from 10 submitters: Benign (1). 9 of the submissions do not count toward it. Last evaluated 2024-06-25.

Conditions:
TCF4-related disorder. Also called: TCF4-related condition.
Inborn genetic diseases. Identifiers: MedGen C0950123, MeSH D030342.
Intellectual disability. Also called: Intellectual developmental disorder; Intellectual functioning disability; intellectual disabilities. Identifiers: MedGen C3714756, MeSH D008607, MONDO:0001071, HP:0001249.
Pitt-Hopkins syndrome (PTHS). Also called: ENCEPHALOPATHY, SEVERE EPILEPTIC, WITH AUTONOMIC DYSFUNCTION; MENTAL RETARDATION, SYNDROMAL, WITH INTERMITTENT HYPERVENTILATION. Identifiers: Orphanet 2896, MedGen C1970431, MONDO:0012589, OMIM 610954.

Allele frequency attached by ClinVar (database versions not stated): gnomAD exomes 0.00010 and 0.00022; ExAC 0.00022; gnomAD 0.00015 and 0.00016; TOPMed 0.00016.
gnomAD v4.1: 184 of 1,613,934 alleles (0.011%); highest among the groups gnomAD compares: South Asian, 0.029%; 1 homozygote.

Submissions (13):

ClinGen Rett and Angelman-like Disorders Variant Curation Expert Panel
Classification: Benign for Pitt-Hopkins syndrome. Last evaluated: 2024-06-25. Review status: reviewed by expert panel. Criteria: ClinGen RettAS ACMG Specifications TCF4 V4.0.0. Collection method: curation. Allele origin: germline. Inheritance: Autosomal dominant inheritance.
Comment: The highest population minor allele frequency of the c.1487-5G>A variant in TCF4 in gnomAD v4.1 is 0.0016 in the Ashkenazi Jewish population, which is higher than the ClinGen Rett and Angelman-like Disorders VCEP threshold (≥0.0003) for BA1, and therefore meets this criterion (BA1). The c.1487-5G>A variant is observed in at least 2 unaffected individuals (Internal database - Ambry) (BS2). The computational splicing predictor SpliceAI gives a score of 1 for acceptor loss, predicting that the variant disrupts the acceptor splice site of intron 16 of TCF4 (PP3). However, the resulting protein impact is minimal (one amino acid insertion) and therefore does not conflict with other benign lines of evidence. Therefore, in summary, the c.1487-5G>A variant in TCF4 is classified as benign based on the ACMG/AMP criteria (BA1, BS2).

CeGaT Center for Human Genetics Tuebingen
Classification: Likely benign. Last evaluated: 2026-03-01. Review status: criteria provided, single submitter. Criteria: CeGaT Center For Human Genetics Tuebingen Variant Classification Criteria Version 2. Collection method: clinical testing. Allele origin: germline. Affected: yes. Observed: 3 variant alleles. Not counted in ClinVar's aggregate classification.
Comment: TCF4: PP3, BS2

Labcorp Genetics (formerly Invitae), Labcorp
Classification: Likely benign for Pitt-Hopkins syndrome. Last evaluated: 2025-09-08. Review status: criteria provided, single submitter. Criteria: Invitae Variant Classification Sherloc (09022015). Collection method: clinical testing. Allele origin: germline. Not counted in ClinVar's aggregate classification.

Ambry Genetics
Classification: Likely benign for Inborn genetic diseases. Last evaluated: 2021-05-05. Review status: criteria provided, single submitter. Criteria: Ambry Variant Classification Scheme 2023. Collection method: clinical testing. Allele origin: germline. Not counted in ClinVar's aggregate classification.

GeneDx
Classification: Likely benign. Last evaluated: 2020-10-12. Review status: criteria provided, single submitter. Criteria: GeneDx Variant Classification Process June 2021. Collection method: clinical testing. Allele origin: germline. Affected: yes. Not counted in ClinVar's aggregate classification.
Comment: In silico analysis, which includes splice predictors and evolutionary conservation, supports a deleterious effect; Observed in an individual in published literature with intellectual disability; however, this individual did not have additional classic features of Pitt-Hopkins syndrome and segregation infomation was limited due to lack of a paternal sample (Redin et al., 2014); This variant is associated with the following publications: (PMID: 25167861)

Illumina Laboratory Services, Illumina
Classification: Benign for Pitt-Hopkins syndrome. Last evaluated: 2018-01-13. Review status: criteria provided, single submitter. Criteria: ICSL Variant Classification Criteria 13 December 2019. Collection method: clinical testing. Allele origin: germline. Not counted in ClinVar's aggregate classification.
Comment: This variant was observed in the ICSL laboratory as part of a predisposition screen in an ostensibly healthy population. It had not been previously curated by ICSL or reported in the Human Gene Mutation Database (HGMD: prior to June 1st, 2018), and was therefore a candidate for classification through an automated scoring system. Utilizing variant allele frequency, disease prevalence and penetrance estimates, and inheritance mode, an automated score was calculated to assess if this variant is too frequent to cause the disease. Based on the score and internal cut-off values, a variant classified as benign is not then subjected to further curation. The score for this variant resulted in a classification of benign for this disease.

Center for Pediatric Genomic Medicine, Children's Mercy Hospital and Clinics
Classification: Likely benign. Last evaluated: 2016-08-04. Review status: criteria provided, single submitter. Criteria: ACMG Guidelines, 2015. Collection method: clinical testing. Allele origin: germline. Not counted in ClinVar's aggregate classification.
ClinVar note: Converted during submission from Likely Benign to Likely benign.

Genetic Services Laboratory, University of Chicago
Classification: Uncertain significance. Last evaluated: 2015-09-29. Review status: criteria provided, single submitter. Criteria: ACMG Guidelines, 2015. Collection method: clinical testing. Allele origin: germline. Affected: no. Not counted in ClinVar's aggregate classification.

Diagnostic Laboratory, Strasbourg University Hospital
Classification: Uncertain significance for Intellectual disability. Last evaluated: 2014-07-25. Review status: criteria provided, single submitter. Criteria: submitter's publication. Collection method: clinical testing. Allele origin: unknown. Affected: yes. Observed: 1 variant allele, 1 heterozygote. Not counted in ClinVar's aggregate classification.

PreventionGenetics, part of Exact Sciences
Classification: Likely benign for TCF4-related condition. Last evaluated: 2023-07-25. Review status: no assertion criteria provided. Collection method: clinical testing. Allele origin: germline. Not counted in ClinVar's aggregate classification.
Comment: This variant is classified as likely benign based on ACMG/AMP sequence variant interpretation guidelines (Richards et al. 2015 PMID: 25741868, with internal and published modifications).

Dr. Peter K. Rogan Lab, Western University
No classification provided (evidence only). Condition: Familial cancer of breast. Review status: no classification provided. Collection method: in vitro. Allele origin: not applicable. Functional consequence: retained intron. Not counted in ClinVar's aggregate classification.

Dr. Peter K. Rogan Lab, Western University
No classification provided (evidence only). Condition: Ovarian serous cystadenocarcinoma. Review status: no classification provided. Collection method: in vitro. Allele origin: not applicable. Functional consequence: retained intron. Not counted in ClinVar's aggregate classification.

Dr. Peter K. Rogan Lab, Western University
No classification provided (evidence only). Condition: Ovarian serous cystadenocarcinoma. Review status: no classification provided. Collection method: in vitro. Allele origin: not applicable. Functional consequence: retained intron. Not counted in ClinVar's aggregate classification.

NM_001083962.2(TCF4):c.1487-5G>A

Gene: TCF4 (transcription factor 4; minus strand). Cytogenetic location: 18q21.2.
Variant type: single nucleotide variant.
Coding change: c.1487-5G>A on transcript NM_001083962.2 (MANE Select); 5 bases into the intron before coding-DNA position 1487, G replaced by A.
Molecular consequence: intron variant.
Genome position (GRCh38, 1-based): chr18:55,232,676, C>T on the plus strand (G>A on the coding strand, the complement: TCF4 is on the minus strand). VCF-style: chr18-55232676-C-T. GRCh37 (hg19) VCF-style: chr18-52899907-C-T.
Other names: c.1793-5G>A (NM_001243226.3); c.1412-5G>A (NM_001369584.1, NM_001369576.1, NM_001369577.1 and 6 more transcripts); c.1415-5G>A (NM_001369582.1, NM_001243227.2, NM_001369583.1 and 5 more transcripts); c.1418-5G>A (NM_001369586.1); c.1487-5G>A (NM_001369571.1, NM_001369567.1, NM_001369572.1 and 2 more transcripts); c.1505-5G>A (NM_001243228.2); c.1478-5G>A (NM_001243230.2); c.1484-5G>A (NM_001369569.1, NM_001369573.1, NM_001369570.1 and 2 more transcripts); and 6 more.
Identifiers: ClinVar variation 235851 (VCV000235851.45), dbSNP rs749176054, ClinGen allele CA8970178.